The following is an entry in ClinVar:

NM_152564.5(VPS13B):c.9094G>T (p.Asp3032Tyr)

Gene: VPS13B (vacuolar protein sorting 13 homolog B; plus strand). Cytogenetic location: 8q22.2.
Variant type: single nucleotide variant.
Coding change: c.9094G>T on transcript NM_152564.5 (MANE Select); coding-DNA position 9094, G replaced by T.
Protein change: p.Asp3032Tyr; replaces aspartic acid 3032 with tyrosine.
Molecular consequence: missense variant.
Genome position (GRCh38, 1-based): chr8:99,821,393, G>T. VCF-style: chr8-99821393-G-T. GRCh37 (hg19) VCF-style: chr8-100833621-G-T.
Other names: c.9094G>T (NM_152564.4); c.9169G>T, p.Asp3057Tyr (NM_017890.5); short protein forms D3032Y.
Identifiers: ClinVar variation 95873 (VCV000095873.64), dbSNP rs140095832, ClinGen allele CA207429.

ClinVar aggregate classification (germline): Conflicting classifications of pathogenicity. Review status: criteria provided, conflicting classifications (1 of 4 stars). 13 submissions from 13 submitters: Uncertain significance (7); Benign (1); Likely benign (4). 1 of the submissions does not count toward it. Last evaluated 2026-01-26.

Conditions:
VPS13B-related disorder. Also called: VPS13B-related condition.
Inborn genetic diseases. Identifiers: MedGen C0950123, MeSH D030342.
Cohen syndrome (COH1). Also called: PEPPER SYNDROME; Cutis verticis gyrata, retinitis pigmentosa, and sensorineural deafness. Identifiers: Orphanet 193, MedGen C0265223, MONDO:0008999, OMIM 216550.

Allele frequency attached by ClinVar (database versions not stated): TOPMed 0.00041; ExAC 0.00061; gnomAD exomes 0.00059 and 0.00061; gnomAD 0.00073 and 0.00077; ESP Exome Variant Server 0.00069.
gnomAD v4.1: 989 of 1,613,786 alleles (0.061%); highest among the groups gnomAD compares: Non-Finnish European, 0.071%; no homozygotes.

Submissions (13):

Labcorp Genetics (formerly Invitae), Labcorp
Classification: Benign for Cohen syndrome. Last evaluated: 2026-01-26. Review status: criteria provided, single submitter. Criteria: Invitae Variant Classification Sherloc (09022015). Collection method: clinical testing. Allele origin: germline.

CeGaT Center for Human Genetics Tuebingen
Classification: Likely benign. Last evaluated: 2025-08-01. Review status: criteria provided, single submitter. Criteria: CeGaT Center For Human Genetics Tuebingen Variant Classification Criteria Version 2. Collection method: clinical testing. Allele origin: germline. Affected: yes. Observed: 7 variant alleles.
Comment: VPS13B: BP4

PreventionGenetics, part of Exact Sciences
Classification: Likely benign for VPS13B-related condition. Last evaluated: 2025-04-17. Review status: criteria provided, single submitter. Criteria: ACMG Guidelines, 2015. Collection method: clinical testing. Allele origin: germline.
Comment: This variant is classified as likely benign based on ACMG/AMP sequence variant interpretation guidelines (Richards et al. 2015 PMID: 25741868, with internal and published modifications).

Blueprint Genetics
Classification: Likely benign. Last evaluated: 2024-11-21. Review status: criteria provided, single submitter. Criteria: ACMG Guidelines, 2015. Collection method: clinical testing. Allele origin: germline.

Center for Genomics, Ann and Robert H. Lurie Children's Hospital of Chicago
Classification: Uncertain significance for Cohen syndrome. Last evaluated: 2021-09-09. Review status: criteria provided, single submitter. Criteria: ACMG Guidelines, 2015. Collection method: clinical testing. Allele origin: germline.
Comment: VPS13B NM_017890.4 exon 50 p.Asp3057Tyr (c.9169G>T): This variant has not been reported in the literature but is present in 0.2% (46/25108) of Finnish alleles and in 1 homozygote in the Genome Aggregation Database. This variant is present in ClinVar, with classifications ranging from benign to Uncertain significance (Variation ID:95873). Evolutionary conservation and computational predictive tools for this variant are unclear. In summary, data on this variant is insufficient for disease classification. Therefore, the clinical significance of this variant is uncertain.

Ambry Genetics
Classification: Uncertain significance for Inborn genetic diseases. Last evaluated: 2021-07-08. Review status: criteria provided, single submitter. Criteria: Ambry Variant Classification Scheme 2023. Collection method: clinical testing. Allele origin: germline.

Revvity Omics, Revvity
Classification: Uncertain significance for Cohen syndrome. Last evaluated: 2019-08-07. Review status: criteria provided, single submitter. Criteria: ACMG Guidelines, 2015. Collection method: clinical testing. Allele origin: germline.

GeneDx
Classification: Likely benign. Last evaluated: 2019-03-14. Review status: criteria provided, single submitter. Criteria: GeneDx Variant Classification Process June 2021. Collection method: clinical testing. Allele origin: germline. Affected: yes.

Athena Diagnostics
Classification: Uncertain significance. Last evaluated: 2019-01-07. Review status: criteria provided, single submitter. Criteria: Athena Diagnostics Criteria. Collection method: clinical testing. Allele origin: germline.

Illumina Laboratory Services, Illumina
Classification: Uncertain significance for Cohen syndrome. Last evaluated: 2018-01-13. Review status: criteria provided, single submitter. Criteria: ICSL Variant Classification Criteria 13 December 2019. Collection method: clinical testing. Allele origin: germline.

Genetic Services Laboratory, University of Chicago
Classification: Uncertain significance. Last evaluated: 2014-05-23. Review status: criteria provided, single submitter. Criteria: ACMG Guidelines, 2015. Collection method: clinical testing. Allele origin: germline.

Eurofins Ntd Llc (ga)
Classification: Uncertain significance. Last evaluated: 2013-03-07. Review status: criteria provided, single submitter. Criteria: EGL Classification Definitions 2015. Collection method: clinical testing. Allele origin: germline. Observed: 2 variant alleles, 2 heterozygotes.

Natera, Inc.
Classification: Benign for Cohen syndrome. Last evaluated: 2020-01-02. Review status: no assertion criteria provided. Collection method: clinical testing. Allele origin: germline. Not counted in ClinVar's aggregate classification.